The following is an entry in ClinVar:

ClinVar aggregate classification (germline): Benign/Likely benign. Review status: criteria provided, multiple submitters, no conflicts (2 of 4 stars). 3 submissions from 3 submitters: Benign (2); Likely benign (1). Last evaluated 2025-10-01.

Conditions:
Hereditary cancer-predisposing syndrome. Also called: Neoplastic Syndromes, Hereditary; Tumor predisposition; Hereditary neoplastic syndrome; Hereditary Cancer Syndrome. Identifiers: Orphanet 140162, MedGen C0027672, MeSH D009386, MONDO:0015356.
Hereditary diffuse gastric adenocarcinoma (HDGC). Also called: DIFFUSE GASTRIC AND LOBULAR BREAST CANCER SYNDROME. Identifiers: Orphanet 26106, MedGen C1708349, MONDO:0007648, OMIM 137215.

Allele frequency attached by ClinVar (database versions not stated): gnomAD 0.00001; gnomAD exomes 0.00001 and 0.00002; ExAC 0.00002; TOPMed 0.00002; ESP Exome Variant Server 0.00015.
gnomAD v4.1: 21 of 1,614,122 alleles (0.0013%); highest among the groups gnomAD compares: Non-Finnish European, 0.0015%; no homozygotes.

Submissions (3):

Labcorp Genetics (formerly Invitae), Labcorp
Classification: Likely benign. Last evaluated: 2025-10-01. Review status: criteria provided, single submitter. Criteria: Invitae Variant Classification Sherloc (09022015). Collection method: clinical testing. Allele origin: germline.

Myriad Genetics, Inc.
Classification: Benign for Hereditary diffuse gastric adenocarcinoma. Last evaluated: 2024-10-10. Review status: criteria provided, single submitter. Criteria: Myriad Autosomal Dominant, Autosomal Recessive and X-Linked Classification Criteria (2023). Collection method: clinical testing. Allele origin: unknown.
Comment: This variant is considered benign. This variant is a silent/synonymous amino acid change and it is not expected to impact splicing.

Ambry Genetics
Classification: Benign for Hereditary cancer-predisposing syndrome. Last evaluated: 2021-09-16. Review status: criteria provided, single submitter. Criteria: Ambry Variant Classification Scheme 2023. Collection method: clinical testing. Allele origin: germline.

NM_001903.5(CTNNA1):c.897G>A (p.Glu299=)

Gene: CTNNA1 (catenin alpha 1; plus strand). Cytogenetic location: 5q31.2.
Variant type: single nucleotide variant.
Coding change: c.897G>A on transcript NM_001903.5 (MANE Select); coding-DNA position 897, G replaced by A.
Protein change: p.Glu299=; no amino-acid change (glutamic acid 299 retained).
Molecular consequence: synonymous variant.
Genome position (GRCh38, 1-based): chr5:138,827,553, G>A. VCF-style: chr5-138827553-G-A. GRCh37 (hg19) VCF-style: chr5-138163242-G-A.
Other names: c.897G>A, p.Glu299= (NM_001290307.3, NM_001323982.2, NM_001323983.1 and 3 more transcripts); c.588G>A, p.Glu196= (NM_001290309.3); c.528G>A, p.Glu176= (NM_001290310.3).
Identifiers: ClinVar variation 239069 (VCV000239069.15), dbSNP rs141456038, ClinGen allele CA3431589.